The following is an entry in ClinVar:

NM_133259.4(LRPPRC):c.4102G>A (p.Glu1368Lys)

Gene: LRPPRC (leucine rich pentatricopeptide repeat containing; minus strand). Cytogenetic location: 2p21.
Variant type: single nucleotide variant.
Coding change: c.4102G>A on transcript NM_133259.4 (MANE Select); coding-DNA position 4102, G replaced by A.
Protein change: p.Glu1368Lys; replaces glutamic acid 1368 with lysine.
Molecular consequence: missense variant.
Genome position (GRCh38, 1-based): chr2:43,889,760, C>T on the plus strand (G>A on the coding strand, the complement: LRPPRC is on the minus strand). VCF-style: chr2-43889760-C-T. GRCh37 (hg19) VCF-style: chr2-44116899-C-T.
Other names: short protein forms E1368K.
Identifiers: ClinVar variation 3539758 (VCV003539758.2).

ClinVar aggregate classification (germline): Uncertain significance. Review status: criteria provided, multiple submitters, no conflicts (2 of 4 stars). 2 submissions from 2 submitters: Uncertain significance (2). Last evaluated 2026-02-19.

Conditions:
Inborn genetic diseases. Identifiers: MedGen C0950123, MeSH D030342.
LRPPRC-related disorder. Also called: LRPPRC-related condition.

gnomAD v4.1: 1 of 1,613,454 alleles (0.000062%); no homozygotes.

Submissions (2):

PreventionGenetics, part of Exact Sciences
Classification: Uncertain significance for LRPPRC-related condition. Last evaluated: 2026-02-19. Review status: criteria provided, single submitter. Criteria: ACMG Guidelines, 2015. Collection method: clinical testing. Allele origin: germline.
Comment: The LRPPRC c.4102G>A variant is predicted to result in the amino acid substitution p.Glu1368Lys. To our knowledge, this variant has not been reported in the literature or in a large population database (gnomAD), indicating this variant is rare. At this time, the clinical significance of this variant is uncertain due to the absence of conclusive functional and genetic evidence.

Ambry Genetics
Classification: Uncertain significance for Inborn genetic diseases. Last evaluated: 2024-07-02. Review status: criteria provided, single submitter. Criteria: Ambry Variant Classification Scheme 2023. Collection method: clinical testing. Allele origin: germline.